The following is an entry in ClinVar:

NM_020458.4(TTC7A):c.958G>A (p.Ala320Thr)

Gene: TTC7A (tetratricopeptide repeat domain 7A; plus strand). Cytogenetic location: 2p21.
Variant type: single nucleotide variant.
Coding change: c.958G>A on transcript NM_020458.4 (MANE Select); coding-DNA position 958, G replaced by A.
Protein change: p.Ala320Thr; replaces alanine 320 with threonine.
Molecular consequence: missense variant. On other transcripts: intron variant (1).
Genome position (GRCh38, 1-based): chr2:46,994,471, G>A. VCF-style: chr2-46994471-G-A. GRCh37 (hg19) VCF-style: chr2-47221610-G-A.
Other names: c.958G>A (NM_020458.2); c.958G>A, p.Ala320Thr (NM_001288951.2); c.856G>A, p.Ala286Thr (NM_001288953.2); c.-61-665G>A (NM_001288955.2); short protein forms A286T, A320T.
Identifiers: ClinVar variation 968748 (VCV000968748.8), dbSNP rs756596268, ClinGen allele CA1647416.
Genomic context (GRCh38, chr2:46,994,471, plus strand): 5'-TACTGGAGCCCCCTGTCCCACCCTCTGCCTGAGTTCATGGGCAAGGAGGAGAGTTCTTTC[G>A]CCACTCAGGCCCTGCGGAAACCTCACCTCTATGAAGGAGACAAGTAAGTTCTGCCTGCCC-3'
Protein context (NP_065191.2, residues 310-330): EFMGKEESSF[Ala320Thr]TQALRKPHLY

ClinVar aggregate classification (germline): Uncertain significance. Review status: criteria provided, multiple submitters, no conflicts (2 of 4 stars). 2 submissions from 2 submitters: Uncertain significance (2). Last evaluated 2025-06-18.

Conditions:
Multiple gastrointestinal atresias. Also called: FAMILIAL INTESTINAL POLYATRESIA SYNDROME; Multiple intestinal atresia. Identifiers: Orphanet 2300, MedGen C0220744, MONDO:0009465.
Inborn genetic diseases. Identifiers: MedGen C0950123, MeSH D030342.

Allele frequency attached by ClinVar (database versions not stated): gnomAD exomes 0.00001 and 0.00006; TOPMed 0.00002; ExAC 0.00006.
gnomAD v4.1: 16 of 1,614,032 alleles (0.00099%); highest among the groups gnomAD compares: Admixed American, 0.02%; no homozygotes.

Submissions (2):

Ambry Genetics
Classification: Uncertain significance for Inborn genetic diseases. Last evaluated: 2025-06-18. Review status: criteria provided, single submitter. Criteria: Ambry Variant Classification Scheme 2023. Collection method: clinical testing. Allele origin: germline.

Labcorp Genetics (formerly Invitae), Labcorp
Classification: Uncertain significance for Multiple gastrointestinal atresias. Last evaluated: 2024-12-09. Review status: criteria provided, single submitter. Criteria: Invitae Variant Classification Sherloc (09022015). Collection method: clinical testing. Allele origin: germline.
Comment: This sequence change replaces alanine, which is neutral and non-polar, with threonine, which is neutral and polar, at codon 320 of the TTC7A protein (p.Ala320Thr). This variant is present in population databases (rs756596268, gnomAD 0.03%). This variant has not been reported in the literature in individuals affected with TTC7A-related conditions. ClinVar contains an entry for this variant (Variation ID: 968748). Invitae Evidence Modeling of protein sequence and biophysical properties (such as structural, functional, and spatial information, amino acid conservation, physicochemical variation, residue mobility, and thermodynamic stability) indicates that this missense variant is not expected to disrupt TTC7A protein function with a negative predictive value of 80%. In summary, the available evidence is currently insufficient to determine the role of this variant in disease. Therefore, it has been classified as a Variant of Uncertain Significance.